The following is an entry in ClinVar:

ClinVar aggregate classification (germline): Uncertain significance (1 of 4 stars; one submission).

Allele frequency attached by ClinVar (database versions not stated): gnomAD exomes below 0.00001.
gnomAD v4.1: 6 of 1,607,636 alleles (0.00037%); highest among the groups gnomAD compares: Non-Finnish European, 0.00051%; no homozygotes.

Submission:

Ambry Genetics
Classification: Uncertain significance. Last evaluated: 2022-06-24. Review status: criteria provided, single submitter. Criteria: Ambry Variant Classification Scheme 2023. Collection method: clinical testing. Allele origin: germline.
Comment: The p.R1854K variant (also known as c.5561G>A), located in coding exon 41 of the PRKDC gene, results from a G to A substitution at nucleotide position 5561. The arginine at codon 1854 is replaced by lysine, an amino acid with highly similar properties. This amino acid position is conserved. Since supporting evidence is limited at this time, the clinical significance of this alteration remains unclear.

NM_006904.7(PRKDC):c.5561G>A (p.Arg1854Lys)

Gene: PRKDC (protein kinase, DNA-activated, catalytic subunit; minus strand). Cytogenetic location: 8q11.21.
Variant type: single nucleotide variant.
Coding change: c.5561G>A on transcript NM_006904.7 (MANE Select); coding-DNA position 5561, G replaced by A.
Protein change: p.Arg1854Lys; replaces arginine 1854 with lysine.
Molecular consequence: missense variant.
Genome position (GRCh38, 1-based): chr8:47,864,566, C>T on the plus strand (G>A on the coding strand, the complement: PRKDC is on the minus strand). VCF-style: chr8-47864566-C-T. GRCh37 (hg19) VCF-style: chr8-48777127-C-T.
Other names: c.5561G>A, p.Arg1854Lys (NM_001081640.2); short protein forms R1854K.
Identifiers: ClinVar variation 1748313 (VCV001748313.2), dbSNP rs2551871006, ClinGen allele CA371163298.